The following is an entry in ClinVar:

ClinVar aggregate classification (germline): Uncertain significance (1 of 4 stars; one submission).

Conditions:
Developmental and epileptic encephalopathy, 54. Also called: HNRNPU-Related Neurodevelopmental Disorder; Epileptic encephalopathy, early infantile, 54. Identifiers: MedGen C4479319, MONDO:0033363, OMIM 617391.

gnomAD v4.1: 7 of 1,599,544 alleles (0.00044%); highest among the groups gnomAD compares: Non-Finnish European, 0.0006%; no homozygotes.

Submission:

Labcorp Genetics (formerly Invitae), Labcorp
Classification: Uncertain significance for Developmental and epileptic encephalopathy, 54. Last evaluated: 2024-03-15. Review status: criteria provided, single submitter. Criteria: Invitae Variant Classification Sherloc (09022015). Collection method: clinical testing. Allele origin: germline.
Comment: This sequence change replaces aspartic acid, which is acidic and polar, with asparagine, which is neutral and polar, at codon 61 of the HNRNPU protein (p.Asp61Asn). This variant is present in population databases (rs758647161, gnomAD 0.001%). This variant has not been reported in the literature in individuals affected with HNRNPU-related conditions. An algorithm developed to predict the effect of missense changes on protein structure and function (PolyPhen-2) suggests that this variant is likely to be disruptive. In summary, the available evidence is currently insufficient to determine the role of this variant in disease. Therefore, it has been classified as a Variant of Uncertain Significance.

NM_031844.3(HNRNPU):c.181G>A (p.Asp61Asn)

Gene: HNRNPU (heterogeneous nuclear ribonucleoprotein U; minus strand). Cytogenetic location: 1q44.
Variant type: single nucleotide variant.
Coding change: c.181G>A on transcript NM_031844.3 (MANE Select); coding-DNA position 181, G replaced by A.
Protein change: p.Asp61Asn; replaces aspartic acid 61 with asparagine.
Molecular consequence: missense variant.
Genome position (GRCh38, 1-based): chr1:244,864,127, C>T on the plus strand (G>A on the coding strand, the complement: HNRNPU is on the minus strand). VCF-style: chr1-244864127-C-T. GRCh37 (hg19) VCF-style: chr1-245027429-C-T.
Other names: c.181G>A, p.Asp61Asn (NM_004501.3); short protein forms D61N.
Identifiers: ClinVar variation 3669641 (VCV003669641.2).
Genomic context (GRCh38, chr1:244,864,127, plus strand): 5'-CGGCCGCGGCCTCCTGCTCGAGGCCTGCTCCCGAGCGCCCAGCGGAATCCCCGCCCAGGT[C>T]TAGGCTGCCGTTCCCGGGCTCCATGGCGGGGCGGCCCCCGGCCTCCTCGTCGTCCAGCGC-3'
Protein context (NP_114032.2, residues 51-71): PAMEPGNGSL[Asp61Asn]LGGDSAGRSG